The following is an entry in ClinVar:

NM_001369.3(DNAH5):c.10937C>A (p.Pro3646His)

Gene: DNAH5 (dynein axonemal heavy chain 5; minus strand). Cytogenetic location: 5p15.2.
Variant type: single nucleotide variant.
Coding change: c.10937C>A on transcript NM_001369.3 (MANE Select); coding-DNA position 10937, C replaced by A.
Protein change: p.Pro3646His; replaces proline 3646 with histidine.
Molecular consequence: missense variant.
Genome position (GRCh38, 1-based): chr5:13,752,225, G>T on the plus strand (C>A on the coding strand, the complement: DNAH5 is on the minus strand). VCF-style: chr5-13752225-G-T. GRCh37 (hg19) VCF-style: chr5-13752334-G-T.
Other names: short protein forms P3646H.
Identifiers: ClinVar variation 1905396 (VCV001905396.5), dbSNP rs1013623560, ClinGen allele CA113917787.
Genomic context (GRCh38, chr5:13,752,225, plus strand): 5'-CTTTCCAAAACATTATCTAGTGCTGGATCTAGTTCCTCTCCAACATCTTCAATAAGCAAA[G>T]GCCTTCCAAGAGAAAGGCTGTCTTCCAGGTGGTTTCTGAAGTACTTGTGATTTAAAGACG-3'
Protein context (NP_001360.1, residues 3636-3656): HLEDSLSLGR[Pro3646His]LLIEDVGEEL

ClinVar aggregate classification (germline): Uncertain significance (1 of 4 stars; one submission).

Conditions:
Primary ciliary dyskinesia. Also called: Ciliary dyskinesia. Identifiers: Orphanet 244, MedGen C0008780, MONDO:0016575, HP:0012265.

Allele frequency attached by ClinVar (database versions not stated): gnomAD 0.00001; TOPMed 0.00001.
gnomAD v4.1: 2 of 1,613,832 alleles (0.00012%); highest among the groups gnomAD compares: Non-Finnish European, 0.00017%; no homozygotes.

Submission:

Labcorp Genetics (formerly Invitae), Labcorp
Classification: Uncertain significance for Primary ciliary dyskinesia. Last evaluated: 2022-03-15. Review status: criteria provided, single submitter. Criteria: Invitae Variant Classification Sherloc (09022015). Collection method: clinical testing. Allele origin: germline.
Comment: This variant is present in population databases (no rsID available, gnomAD 0.002%). This variant has not been reported in the literature in individuals affected with DNAH5-related conditions. Algorithms developed to predict the effect of missense changes on protein structure and function (SIFT, PolyPhen-2, Align-GVGD) all suggest that this variant is likely to be disruptive. In summary, the available evidence is currently insufficient to determine the role of this variant in disease. Therefore, it has been classified as a Variant of Uncertain Significance. This sequence change replaces proline, which is neutral and non-polar, with histidine, which is basic and polar, at codon 3646 of the DNAH5 protein (p.Pro3646His).